The following is an entry in ClinVar:

NM_007059.4(KPTN):c.135C>T (p.Thr45=)

Gene: KPTN (kaptin, actin binding protein; minus strand). Cytogenetic location: 19q13.32.
Variant type: single nucleotide variant.
Coding change: c.135C>T on transcript NM_007059.4 (MANE Select); coding-DNA position 135, C replaced by T.
Protein change: p.Thr45=; no amino-acid change (threonine 45 retained).
Molecular consequence: synonymous variant. On other transcripts: non-coding transcript variant (1).
Genome position (GRCh38, 1-based): chr19:47,484,026, G>A on the plus strand (C>T on the coding strand, the complement: KPTN is on the minus strand). VCF-style: chr19-47484026-G-A. GRCh37 (hg19) VCF-style: chr19-47987283-G-A.
Other names: c.135C>T, p.Thr45= (NM_001291296.2).
Identifiers: ClinVar variation 3039251 (VCV003039251.2), dbSNP rs756524875, ClinGen allele CA9540547.
Genomic context (GRCh38, chr19:47,484,026, plus strand): 5'-CACTGGCCGGATTTTCTGTCGGAGGTCTTGGTAGCGGAAGCCGAGCACCTTGCCTTTAAG[G>A]GTGGCGGCCAGCAGCTCCCCGCGCCCGCCGGCGCCGCCTGCCAGCCCGTACACATTGCTC-3'
Protein context (NP_008990.2, residues 35-55): AGGRGELLAA[Thr45=]LKGKVLGFRY

ClinVar aggregate classification (germline): Likely benign (0 of 4 stars; one submission).

Conditions:
KPTN-related disorder. Also called: KPTN-related condition. Identifiers: MedGen CN381532.

Allele frequency attached by ClinVar (database versions not stated): gnomAD 0.00001; gnomAD exomes 0.00002; TOPMed 0.00002; ExAC 0.00004.
gnomAD v4.1: 29 of 1,612,580 alleles (0.0018%); highest among the groups gnomAD compares: South Asian, 0.025%; no homozygotes.

Submission:

PreventionGenetics, part of Exact Sciences
Classification: Likely benign for KPTN-related condition. Last evaluated: 2019-05-21. Review status: no assertion criteria provided. Collection method: clinical testing. Allele origin: germline.
Comment: This variant is classified as likely benign based on ACMG/AMP sequence variant interpretation guidelines (Richards et al. 2015 PMID: 25741868, with internal and published modifications).